The following is an entry in ClinVar:

ClinVar aggregate classification (germline): Uncertain significance (1 of 4 stars; one submission).

gnomAD v4.1: 1 of 1,610,918 alleles (0.000062%); highest among the groups gnomAD compares: Non-Finnish European, 0.000085%; no homozygotes.

Submission:

GeneDx
Classification: Uncertain significance. Last evaluated: 2025-03-20. Review status: criteria provided, single submitter. Criteria: GeneDx Variant Classification Process June 2021. Collection method: clinical testing. Allele origin: germline. Affected: yes.
Comment: In silico analysis is inconclusive as to whether the variant alters gene splicing. In the absence of RNA/functional studies, the actual effect of this sequence change is unknown.; Not observed at significant frequency in large population cohorts (gnomAD); Has not been previously published as pathogenic or benign to our knowledge

NM_012199.5(AGO1):c.513G>A (p.Arg171=)

Gene: AGO1 (argonaute RISC component 1; plus strand). Cytogenetic location: 1p34.3.
Variant type: single nucleotide variant.
Coding change: c.513G>A on transcript NM_012199.5 (MANE Select); coding-DNA position 513, G replaced by A.
Protein change: p.Arg171=; no amino-acid change (arginine 171 retained).
Molecular consequence: synonymous variant.
Genome position (GRCh38, 1-based): chr1:35,893,674, G>A. VCF-style: chr1-35893674-G-A. GRCh37 (hg19) VCF-style: chr1-36359275-G-A.
Other names: c.513G>A, p.Arg171= (NM_001317122.2); c.288G>A, p.Arg96= (NM_001317123.2).
Identifiers: ClinVar variation 4086295 (VCV004086295.1).
Genomic context (GRCh38, chr1:35,893,674, plus strand): 5'-GATGCCTCACAGGGTGGGGGCCTGTGCCCGAGGGACCAGTTCTCTGCCTGTCCCTGCCAG[G>A]TACACCCCTGTGGGCCGCTCCTTCTTCTCACCGCCTGAGGGCTACTACCACCCGCTGGGG-3'
Protein context (NP_036331.1, residues 161-181): DVAMRHLASM[Arg171=]YTPVGRSFFS